The following is an entry in ClinVar:

NM_015047.3(EMC1):c.314G>A (p.Arg105Gln)

Gene: EMC1 (ER membrane protein complex subunit 1; minus strand). Cytogenetic location: 1p36.13.
Variant type: single nucleotide variant.
Coding change: c.314G>A on transcript NM_015047.3 (MANE Select); coding-DNA position 314, G replaced by A.
Protein change: p.Arg105Gln; replaces arginine 105 with glutamine.
Molecular consequence: missense variant.
Genome position (GRCh38, 1-based): chr1:19,243,680, C>T on the plus strand (G>A on the coding strand, the complement: EMC1 is on the minus strand). VCF-style: chr1-19243680-C-T. GRCh37 (hg19) VCF-style: chr1-19570174-C-T.
Other names: c.314G>A, p.Arg105Gln (NM_001271427.2, NM_001271428.2, NM_001375820.1 and 1 more transcripts); c.248G>A, p.Arg83Gln (NM_001271429.2); short protein forms R105Q, R83Q.
Identifiers: ClinVar variation 1440959 (VCV001440959.9), dbSNP rs1345784060, ClinGen allele CA338772279.

ClinVar aggregate classification (germline): Uncertain significance. Review status: criteria provided, single submitter (1 of 4 stars). 2 submissions from 2 submitters: Uncertain significance (1). 1 of the submissions does not count toward it. Last evaluated 2022-02-24.

Conditions:
Retinal dystrophy. Also called: Inherited retinal dystrophy. Identifiers: Orphanet 71862, MedGen C0854723, MeSH D058499, MONDO:0019118, HP:0000556.

Allele frequency attached by ClinVar (database versions not stated): gnomAD exomes below 0.00001 and 0.00001; gnomAD 0.00001; TOPMed 0.00001.
gnomAD v4.1: 11 of 1,614,074 alleles (0.00068%); highest among the groups gnomAD compares: South Asian, 0.0011%; no homozygotes.

Submissions (2):

Labcorp Genetics (formerly Invitae), Labcorp
Classification: Uncertain significance. Last evaluated: 2022-02-24. Review status: criteria provided, single submitter. Criteria: Invitae Variant Classification Sherloc (09022015). Collection method: clinical testing. Allele origin: germline.
Comment: In summary, the available evidence is currently insufficient to determine the role of this variant in disease. Therefore, it has been classified as a Variant of Uncertain Significance. Algorithms developed to predict the effect of missense changes on protein structure and function are either unavailable or do not agree on the potential impact of this missense change (SIFT: "Tolerated"; PolyPhen-2: "Probably Damaging"; Align-GVGD: "Class C0"). This variant has not been reported in the literature in individuals affected with EMC1-related conditions. This variant is present in population databases (no rsID available, gnomAD 0.003%). This sequence change replaces arginine, which is basic and polar, with glutamine, which is neutral and polar, at codon 105 of the EMC1 protein (p.Arg105Gln).

Institute of Human Genetics, Univ. Regensburg, Univ. Regensburg
Classification: Uncertain significance for Retinal dystrophy. Last evaluated: 2023-01-01. Review status: no assertion criteria provided. Criteria: ACMG Guidelines, 2015. Collection method: clinical testing. Allele origin: germline. Affected: yes. Not counted in ClinVar's aggregate classification.